The following is an entry in ClinVar:

NM_153700.2(STRC):c.2527A>G (p.Lys843Glu)

Gene: STRC (stereocilin; minus strand). Cytogenetic location: 15q15.3.
Variant type: single nucleotide variant.
Coding change: c.2527A>G on transcript NM_153700.2 (MANE Select); coding-DNA position 2527, A replaced by G.
Protein change: p.Lys843Glu; replaces lysine 843 with glutamic acid.
Molecular consequence: missense variant.
Genome position (GRCh38, 1-based): chr15:43,613,185, T>C on the plus strand (A>G on the coding strand, the complement: STRC is on the minus strand). VCF-style: chr15-43613185-T-C. GRCh37 (hg19) VCF-style: chr15-43905383-T-C.
Other names: short protein forms K843E.
Identifiers: ClinVar variation 930095 (VCV000930095.4), dbSNP rs1321776840, ClinGen allele CA392178499.

ClinVar aggregate classification (germline): Uncertain significance (1 of 4 stars; one submission).

Allele frequency attached by ClinVar (database versions not stated): gnomAD 0.00003.

Submission:

Laboratory for Molecular Medicine, Mass General Brigham Personalized Medicine
Classification: Uncertain significance. Last evaluated: 2020-03-11. Review status: criteria provided, single submitter. Criteria: LMM Criteria. Collection method: clinical testing. Allele origin: germline. Observed: 1 variant allele.
Comment: The p.Lys843Glu variant in STRC has not been previously reported in individuals with hearing loss. Data from large population studies is insufficient to assess the frequency of this variant. Computational prediction tools and conservation analyses suggest that this variant may impact the protein, though this information is not predictive enough to determine pathogenicity. In summary, the clinical significance of this variant is uncertain. ACMG/AMP Criteria applied: PP3.